The following is an entry in ClinVar:

NM_002249.6(KCNN3):c.1031_1032delinsGT (p.Leu344Arg)

Gene: KCNN3 (potassium calcium-activated channel subfamily N member 3; minus strand). Cytogenetic location: 1q21.3.
Variant type: Indel.
Coding change: c.1031_1032delinsGT on transcript NM_002249.6 (MANE Select); coding-DNA positions 1031 to 1032, TC replaced by GT.
Protein change: p.Leu344Arg; replaces leucine 344 with arginine.
Molecular consequence: missense variant.
Genome position (GRCh38, 1-based): chr1:154,772,391-154,772,392, GA replaced by AC on the plus strand (TC replaced by GT on the coding strand, the reverse complement: KCNN3 is on the minus strand). VCF-style: chr1-154772391-GA-AC. GRCh37 (hg19) VCF-style: chr1-154744867-GA-AC.
Other names: c.1031_1032delinsGT, p.Leu344Arg (NM_001204087.2); c.92_93delinsGT, p.Leu31Arg (NM_001365837.1, NM_001365838.1); c.116_117delinsGT, p.Leu39Arg (NM_170782.3); short protein forms L31R, L344R, L39R.
Identifiers: ClinVar variation 4687095 (VCV004687095.1).

ClinVar aggregate classification (germline): Uncertain significance (1 of 4 stars; one submission).

Submission:

GeneDx
Classification: Uncertain significance. Last evaluated: 2025-07-25. Review status: criteria provided, single submitter. Criteria: GeneDx Variant Classification Process June 2021. Collection method: clinical testing. Allele origin: germline. Affected: yes.
Comment: Not observed at significant frequency in large population cohorts (gnomAD); In silico analysis supports a deleterious effect on protein structure/function; Has not been previously published as pathogenic or benign to our knowledge